The following is an entry in ClinVar:

ClinVar aggregate classification (germline): Uncertain significance (1 of 4 stars; one submission).

Submission:

Labcorp Genetics (formerly Invitae), Labcorp
Classification: Uncertain significance. Last evaluated: 2024-09-15. Review status: criteria provided, single submitter. Criteria: Invitae Variant Classification Sherloc (09022015). Collection method: clinical testing. Allele origin: germline.
Comment: This sequence change creates a premature translational stop signal (p.Gln125*) in the NFE2L2 gene. It is expected to result in an absent or disrupted protein product. However, the current clinical and genetic evidence is not sufficient to establish whether loss-of-function variants in NFE2L2 cause disease. This variant is not present in population databases (gnomAD no frequency). This variant has not been reported in the literature in individuals affected with NFE2L2-related conditions. In summary, the available evidence is currently insufficient to determine the role of this variant in disease. Therefore, it has been classified as a Variant of Uncertain Significance.

NM_006164.5(NFE2L2):c.373C>T (p.Gln125Ter)

Gene: NFE2L2 (NFE2 like bZIP transcription factor 2; minus strand). Cytogenetic location: 2q31.2.
Variant type: single nucleotide variant.
Coding change: c.373C>T on transcript NM_006164.5 (MANE Select); coding-DNA position 373, C replaced by T.
Protein change: p.Gln125Ter; replaces glutamine 125 with a stop codon.
Molecular consequence: nonsense. On other transcripts: intron variant (1).
Genome position (GRCh38, 1-based): chr2:177,233,279, G>A on the plus strand (C>T on the coding strand, the complement: NFE2L2 is on the minus strand). VCF-style: chr2-177233279-G-A. GRCh37 (hg19) VCF-style: chr2-178098007-G-A.
Other names: c.325C>T, p.Gln109Ter (NM_001145412.3, NM_001145413.3, NM_001313900.1 and 1 more transcripts); c.154C>T, p.Gln52Ter (NM_001313903.2); c.73C>T, p.Gln25Ter (NM_001313904.1); c.313-696C>T (NM_001313902.2); short protein forms Q109*, Q25*, Q125*, Q52*.
Identifiers: ClinVar variation 3717364 (VCV003717364.2).